The following is an entry in ClinVar:

ClinVar aggregate classification (germline): Uncertain significance. Review status: criteria provided, single submitter (1 of 4 stars). 2 submissions from 2 submitters: Uncertain significance (1). 1 of the submissions does not count toward it. Last evaluated 2023-11-18.

Conditions:
SEMA3A-related disorder. Also called: SEMA3A-related condition.

Allele frequency attached by ClinVar (database versions not stated): gnomAD exomes 0.00001; TOPMed 0.00001; ExAC 0.00002.
gnomAD v4.1: 8 of 1,611,750 alleles (0.0005%); highest among the groups gnomAD compares: Admixed American, 0.01%; no homozygotes.

Submissions (2):

Labcorp Genetics (formerly Invitae), Labcorp
Classification: Uncertain significance. Last evaluated: 2023-11-18. Review status: criteria provided, single submitter. Criteria: Invitae Variant Classification Sherloc (09022015). Collection method: clinical testing. Allele origin: germline.
Comment: This sequence change replaces leucine, which is neutral and non-polar, with methionine, which is neutral and non-polar, at codon 308 of the SEMA3A protein (p.Leu308Met). This variant is present in population databases (rs756376042, gnomAD 0.01%). This variant has not been reported in the literature in individuals affected with SEMA3A-related conditions. ClinVar contains an entry for this variant (Variation ID: 1919508). Advanced modeling of protein sequence and biophysical properties (such as structural, functional, and spatial information, amino acid conservation, physicochemical variation, residue mobility, and thermodynamic stability) performed at Invitae indicates that this missense variant is not expected to disrupt SEMA3A protein function with a negative predictive value of 80%. In summary, the available evidence is currently insufficient to determine the role of this variant in disease. Therefore, it has been classified as a Variant of Uncertain Significance.

PreventionGenetics, part of Exact Sciences
Classification: Uncertain significance for SEMA3A-related condition. Last evaluated: 2024-09-25. Review status: no assertion criteria provided. Collection method: clinical testing. Allele origin: germline. Not counted in ClinVar's aggregate classification.
Comment: The SEMA3A c.922C>A variant is predicted to result in the amino acid substitution p.Leu308Met. To our knowledge, this variant has not been reported in the literature. This variant is reported in 0.014% of alleles in individuals of Latino descent in gnomAD. Although we suspect that this variant may be benign, at this time, the clinical significance of this variant is uncertain due to the absence of conclusive functional and genetic evidence.

NM_006080.3(SEMA3A):c.922C>A (p.Leu308Met)

Gene: SEMA3A (semaphorin 3A; minus strand). Cytogenetic location: 7q21.11.
Variant type: single nucleotide variant.
Coding change: c.922C>A on transcript NM_006080.3 (MANE Select); coding-DNA position 922, C replaced by A.
Protein change: p.Leu308Met; replaces leucine 308 with methionine.
Molecular consequence: missense variant.
Genome position (GRCh38, 1-based): chr7:84,011,186, G>T on the plus strand (C>A on the coding strand, the complement: SEMA3A is on the minus strand). VCF-style: chr7-84011186-G-T. GRCh37 (hg19) VCF-style: chr7-83640502-G-T.
Other names: short protein forms L308M.
Identifiers: ClinVar variation 1919508 (VCV001919508.6), dbSNP rs756376042, ClinGen allele CA4322893.
Genomic context (GRCh38, chr7:84,011,186, plus strand): 5'-TTATGGAATGGCAAAGTCTGAACAAATATTCTCTATACATAAACACTAGCTTCTTACGCA[G>T]TTCATCAAAATGAGTGTCAATGCCATTTGGACCTGGCACTGAGCAAATCAGACGAGCTTT-3'
Protein context (NP_006071.1, residues 298-318): PNGIDTHFDE[Leu308Met]QDVFLMNFKD